The following is an entry in ClinVar:

NM_000284.4(PDHA1):c.454T>C (p.Ser152Pro)

Gene: PDHA1 (pyruvate dehydrogenase E1 subunit alpha 1; plus strand). Cytogenetic location: Xp22.12.
Variant type: single nucleotide variant.
Coding change: c.454T>C on transcript NM_000284.4 (MANE Select); coding-DNA position 454, T replaced by C.
Protein change: p.Ser152Pro; replaces serine 152 with proline.
Molecular consequence: missense variant.
Genome position (GRCh38, 1-based): chrX:19,353,117, T>C. VCF-style: chrX-19353117-T-C. GRCh37 (hg19) VCF-style: chrX-19371235-T-C.
Other names: c.568T>C, p.Ser190Pro (NM_001173454.2); c.475T>C, p.Ser159Pro (NM_001173455.2); c.454T>C, p.Ser152Pro (NM_001173456.2); short protein forms S152P, S159P, S190P.
Identifiers: ClinVar variation 4070326 (VCV004070326.1).

ClinVar aggregate classification (germline): Likely pathogenic (0 of 4 stars; one submission).

Conditions:
Pyruvate dehydrogenase E1-alpha deficiency (PDHAD). Also called: ATAXIA, INTERMITTENT, WITH PYRUVATE DEHYDROGENASE DEFICIENCY; ATAXIA WITH LACTIC ACIDOSIS I; ATAXIA, INTERMITTENT, WITH ABNORMAL PYRUVATE METABOLISM; Ataxia, intermittent, with pyruvate dehydrogenase, or decarboxylase, deficiency. Identifiers: Orphanet 79243, MedGen C1839413, MONDO:0010717, OMIM 312170.

Submission:

PDHA1 Study Group, University Children’s Hospital, Paracelsus Medical University
Classification: Likely pathogenic for Pyruvate dehydrogenase E1-alpha deficiency. Last evaluated: 2024-10-15. Review status: no assertion criteria provided. Collection method: research. Allele origin: inherited. Affected: yes. Observed: 1 variant allele.
Comment: The NM_000284.3:c.454T>C (p.Ser152Pro) substitution is a missense variant in PDHA1 gene. Among them, 1 were confirmed inherited. Last literature search: July 12, 2024. This variant is absent or extremely rare in population-based cohorts in the Genome Aggregation Database (gnomAD). Individuals harboring this variant presented with clinical features compatible with PDHA1-related PDHc deficiency. In summary, this variant meets criteria to be classified as likely pathogenic (LP) for PDHA1-related PDHc deficiency based on the ACMG/AMP criteria applied: PM1, PM2, PP3, PP4 (last assessment October 15, 2024).

Literature cited by the submitters: DOI 10.1093/brain/awaf430.